The following is an entry in ClinVar:

ClinVar aggregate classification (germline): Pathogenic (1 of 4 stars; one submission).

Conditions:
Ehlers-Danlos syndrome, classic type, 1 (EDSCL1). Also called: EHLERS-DANLOS SYNDROME, GRAVIS TYPE; EHLERS-DANLOS SYNDROME, SEVERE CLASSIC TYPE; Ehlers-Danlos syndrome, type 1; Ehlers-Danlos Syndrome, Classic Type, COL5A1-Related; EDS I. Identifiers: MedGen C0268335, MONDO:0019567, OMIM 130000.

Submission:

Labcorp Genetics (formerly Invitae), Labcorp
Classification: Pathogenic for Ehlers-Danlos syndrome, classic type, 1. Last evaluated: 2021-04-29. Review status: criteria provided, single submitter. Criteria: Invitae Variant Classification Sherloc (09022015). Collection method: clinical testing. Allele origin: germline.
Comment: This sequence change falls in intron 5 of the COL5A1 gene. It does not directly change the encoded amino acid sequence of the COL5A1 protein. It affects a nucleotide within the consensus splice site of the intron. For these reasons, this variant has been classified as Pathogenic. Nucleotide substitutions within the consensus splice site are a relatively common cause of aberrant splicing (PMID: 17576681, 9536098). Algorithms developed to predict the effect of sequence changes on RNA splicing suggest that this variant may disrupt the consensus splice site, but this prediction has not been confirmed by published transcriptional studies. This variant has been observed in individual(s) with clinical features of Ehlers-Danlos syndrome (Invitae). In at least one individual the variant was observed to be de novo. This variant is not present in population databases (ExAC no frequency).

Literature cited by the submitters: PubMed 17576681; PubMed 9536098.

NM_000093.5(COL5A1):c.786+5G>A

Gene: COL5A1 (collagen type V alpha 1 chain; plus strand). Cytogenetic location: 9q34.3.
Variant type: single nucleotide variant.
Coding change: c.786+5G>A on transcript NM_000093.5 (MANE Select); 5 bases into the intron after coding-DNA position 786, G replaced by A.
Molecular consequence: intron variant.
Genome position (GRCh38, 1-based): chr9:134,727,402, G>A. VCF-style: chr9-134727402-G-A. GRCh37 (hg19) VCF-style: chr9-137619248-G-A.
Other names: c.786+5G>A (NM_001278074.1).
Identifiers: ClinVar variation 1392028 (VCV001392028.8), dbSNP rs2132632978, ClinGen allele CA2573144111.